The following is an entry in ClinVar:

ClinVar aggregate classification (germline): Pathogenic (1 of 4 stars; one submission).

Submission:

Labcorp Genetics (formerly Invitae), Labcorp
Classification: Pathogenic. Last evaluated: 2020-03-05. Review status: criteria provided, single submitter. Criteria: Invitae Variant Classification Sherloc (09022015). Collection method: clinical testing. Allele origin: germline.
Comment: For these reasons, this variant has been classified as Pathogenic. Loss-of-function variants in CHM are known to be pathogenic (PMID: 9067750, 23811034). This variant has been observed to be hemizygous in several individuals affected with choroideremia (PMID: 27247961). This variant is not present in population databases (ExAC no frequency). This sequence change creates a premature translational stop signal (p.Ser557*) in the CHM gene. It is expected to result in an absent or disrupted protein product.

Literature cited by the submitters: PubMed 9067750; PubMed 23811034; PubMed 27247961.

NM_000390.4(CHM):c.1670C>A (p.Ser557Ter)

Gene: CHM (CHM Rab escort protein; minus strand). Cytogenetic location: Xq21.2.
Variant type: single nucleotide variant.
Coding change: c.1670C>A on transcript NM_000390.4 (MANE Select); coding-DNA position 1670, C replaced by A.
Protein change: p.Ser557Ter; replaces serine 557 with a stop codon.
Molecular consequence: nonsense.
Genome position (GRCh38, 1-based): chrX:85,873,152, G>T on the plus strand (C>A on the coding strand, the complement: CHM is on the minus strand). VCF-style: chrX-85873152-G-T. GRCh37 (hg19) VCF-style: chrX-85128157-G-T.
Other names: c.1226C>A, p.Ser409Ter (NM_001320959.1, NM_001362517.1, NM_001362518.2 and 1 more transcripts); short protein forms S409*, S557*.
Identifiers: ClinVar variation 1074957 (VCV001074957.9), dbSNP rs775176173, ClinGen allele CA413786757.
Genomic context (GRCh38, chrX:85,873,152, plus strand): 5'-CCAGAGCAGACATAAACGTTGGATGGTAAATCATTATAACAGCTCCTGCTGATGTCTGAC[G>T]AATCTCTCATATTGAAGTAAAGAGCCCACAGAATTCTTGGCTTTTCTACTTGTTCATTTT-3'